The following is an entry in ClinVar:

ClinVar aggregate classification (germline): Uncertain significance. Review status: criteria provided, multiple submitters, no conflicts (2 of 4 stars). 2 submissions from 2 submitters: Uncertain significance (2). Last evaluated 2025-05-11.

Conditions:
Candidiasis, familial, 9 (CANDF9). Identifiers: Orphanet 1334, MedGen C4225324, MONDO:0014642, OMIM 616445.

gnomAD v4.1: 13 of 1,570,726 alleles (0.00083%); highest among the groups gnomAD compares: East Asian, 0.009%; no homozygotes.

Submissions (2):

Labcorp Genetics (formerly Invitae), Labcorp
Classification: Uncertain significance for Candidiasis, familial, 9. Last evaluated: 2025-05-11. Review status: criteria provided, single submitter. Criteria: Invitae Variant Classification Sherloc (09022015). Collection method: clinical testing. Allele origin: germline.
Comment: This sequence change replaces glycine, which is neutral and non-polar, with arginine, which is basic and polar, at codon 578 of the IL17RC protein (p.Gly578Arg). This variant is present in population databases (rs763525201, gnomAD 0.02%). This variant has not been reported in the literature in individuals affected with IL17RC-related conditions. ClinVar contains an entry for this variant (Variation ID: 944363). An algorithm developed to predict the effect of missense changes on protein structure and function (PolyPhen-2) suggests that this variant is likely to be disruptive. In summary, the available evidence is currently insufficient to determine the role of this variant in disease. Therefore, it has been classified as a Variant of Uncertain Significance.

Ambry Genetics
Classification: Uncertain significance. Last evaluated: 2023-03-28. Review status: criteria provided, single submitter. Criteria: Ambry Variant Classification Scheme 2023. Collection method: clinical testing. Allele origin: germline.

NM_153460.4(IL17RC):c.1519G>C (p.Gly507Arg)

Genes: IL17RC (interleukin 17 receptor C; plus strand), LOC129936143 (ATAC-STARR-seq lymphoblastoid silent region 14050; plus strand). Cytogenetic location: 3p25.3.
Variant type: single nucleotide variant.
Coding change: c.1519G>C on transcript NM_153460.4 (MANE Select); coding-DNA position 1519, G replaced by C.
Protein change: p.Gly507Arg; replaces glycine 507 with arginine.
Molecular consequence: missense variant. On other transcripts: intron variant (5), non-coding transcript variant (1).
Genome position (GRCh38, 1-based): chr3:9,932,855, G>C. VCF-style: chr3-9932855-G-C. GRCh37 (hg19) VCF-style: chr3-9974539-G-C.
Other names: c.1364-98G>C (NM_001367279.1); c.1423G>C, p.Gly475Arg (NM_001203265.2); c.1474G>C, p.Gly492Arg (NM_032732.6); c.1732G>C, p.Gly578Arg (NM_153461.4); c.1484-98G>C (NM_001203263.2); c.1433-98G>C (NM_001203264.2); c.1445-98G>C (NM_001367278.1); c.1439-98G>C (NM_001367280.1); short protein forms G475R, G507R, G578R, G492R.
Identifiers: ClinVar variation 944363 (VCV000944363.8), dbSNP rs763525201, ClinGen allele CA2247330.